The following is an entry in ClinVar:

ClinVar aggregate classification (germline): Uncertain significance. Review status: criteria provided, multiple submitters, no conflicts (2 of 4 stars). 2 submissions from 2 submitters: Uncertain significance (2). Last evaluated 2024-07-06.

Conditions:
Hypogonadotropic hypogonadism 5 with or without anosmia (KAL5). Also called: HYPOGONADOTROPIC HYPOGONADISM 5 WITH ANOSMIA; HYPOGONADOTROPHIC HYPOGONADISM 5 WITHOUT ANOSMIA; CHD7-Related GnRH Deficiency (Kallmann Syndrome 5). Identifiers: Orphanet 478, MedGen C3552553, MONDO:0012880, OMIM 612370. Disease mechanism: loss of function.
CHARGE syndrome (CHARGE). Also called: CHARGE ASSOCIATION--COLOBOMA, HEART ANOMALY, CHOANAL ATRESIA, RETARDATION, GENITAL AND EAR ANOMALIES; Coloboma, heart anomaly, choanal atresia, retardation, genital and ear anomalies; CHARGE association; Hall-Hittner syndrome; Hittner Hirsch Kreh syndrome. Identifiers: Orphanet 138, MedGen C0265354, MONDO:0008965.

Allele frequency attached by ClinVar (database versions not stated): gnomAD exomes below 0.00001.

Submissions (2):

Labcorp Genetics (formerly Invitae), Labcorp
Classification: Uncertain significance for CHARGE syndrome. Last evaluated: 2024-07-06. Review status: criteria provided, single submitter. Criteria: Invitae Variant Classification Sherloc (09022015). Collection method: clinical testing. Allele origin: germline.
Comment: This sequence change replaces arginine, which is basic and polar, with histidine, which is basic and polar, at codon 809 of the CHD7 protein (p.Arg809His). This variant is not present in population databases (gnomAD no frequency). This variant has not been reported in the literature in individuals affected with CHD7-related conditions. ClinVar contains an entry for this variant (Variation ID: 908769). Advanced modeling of protein sequence and biophysical properties (such as structural, functional, and spatial information, amino acid conservation, physicochemical variation, residue mobility, and thermodynamic stability) has been performed at Invitae for this missense variant, however the output from this modeling did not meet the statistical confidence thresholds required to predict the impact of this variant on CHD7 protein function. In summary, the available evidence is currently insufficient to determine the role of this variant in disease. Therefore, it has been classified as a Variant of Uncertain Significance.

Illumina Laboratory Services, Illumina
Classification: Uncertain significance for Kallmann Syndrome 5. Last evaluated: 2018-01-13. Review status: criteria provided, single submitter. Criteria: ICSL Variant Classification Criteria 13 December 2019. Collection method: clinical testing. Allele origin: germline.

NM_017780.4(CHD7):c.2426G>A (p.Arg809His)

Gene: CHD7 (chromodomain helicase DNA binding protein 7; plus strand). Cytogenetic location: 8q12.2.
Variant type: single nucleotide variant.
Coding change: c.2426G>A on transcript NM_017780.4 (MANE Select); coding-DNA position 2426, G replaced by A.
Protein change: p.Arg809His; replaces arginine 809 with histidine.
Molecular consequence: missense variant. On other transcripts: intron variant (1).
Genome position (GRCh38, 1-based): chr8:60,801,577, G>A. VCF-style: chr8-60801577-G-A. GRCh37 (hg19) VCF-style: chr8-61714136-G-A.
Other names: c.1716+20527G>A (NM_001316690.1); short protein forms R809H.
Identifiers: ClinVar variation 908769 (VCV000908769.6), dbSNP rs1313215076, ClinGen allele CA371301537.